The following is an entry in ClinVar:

ClinVar aggregate classification (germline): Uncertain significance. Review status: criteria provided, multiple submitters, no conflicts (2 of 4 stars). 2 submissions from 2 submitters: Uncertain significance (2). Last evaluated 2022-03-11.

Conditions:
Progressive familial heart block type IB (PFHB1B). Identifiers: Orphanet 871, MedGen C1970298, MONDO:0011474, OMIM 604559.
Cardiovascular phenotype. Identifiers: MedGen CN230736.

Submissions (2):

Labcorp Genetics (formerly Invitae), Labcorp
Classification: Uncertain significance for Progressive familial heart block type IB. Last evaluated: 2022-03-11. Review status: criteria provided, single submitter. Criteria: Invitae Variant Classification Sherloc (09022015). Collection method: clinical testing. Allele origin: germline.
Comment: This variant is not present in population databases (gnomAD no frequency). This sequence change replaces arginine, which is basic and polar, with cysteine, which is neutral and slightly polar, at codon 640 of the TRPM4 protein (p.Arg640Cys). This variant has not been reported in the literature in individuals affected with TRPM4-related conditions. In summary, the available evidence is currently insufficient to determine the role of this variant in disease. Therefore, it has been classified as a Variant of Uncertain Significance. Algorithms developed to predict the effect of missense changes on protein structure and function are either unavailable or do not agree on the potential impact of this missense change (SIFT: "Deleterious"; PolyPhen-2: "Possibly Damaging"; Align-GVGD: "Class C0").

Ambry Genetics
Classification: Uncertain significance for Cardiovascular phenotype. Last evaluated: 2016-08-09. Review status: criteria provided, single submitter. Criteria: Ambry Variant Classification Scheme 2023. Collection method: clinical testing. Allele origin: germline.
Comment: The p.R640C variant (also known as c.1918C>T), located in coding exon 14 of the TRPM4 gene, results from a C to T substitution at nucleotide position 1918. The arginine at codon 640 is replaced by cysteine, an amino acid with highly dissimilar properties. This variant was not reported in population based cohorts in the following databases: Database of Single Nucleotide Polymorphisms (dbSNP), NHLBI Exome Sequencing Project (ESP), and 1000 Genomes Project. In the ESP, this variant was not observed in 6503 samples (13006 alleles) with coverage at this position. This amino acid position is poorly conserved on limited sequence alignment, and cysteine is the reference amino acid in other vertebrate species. In addition, this alteration is predicted to be tolerated by in silico analysis. Since supporting evidence is limited at this time, the clinical significance of this alteration remains unclear.

NM_017636.4(TRPM4):c.1918C>T (p.Arg640Cys)

Gene: TRPM4 (transient receptor potential cation channel subfamily M member 4; plus strand). Cytogenetic location: 19q13.33.
Variant type: single nucleotide variant.
Coding change: c.1918C>T on transcript NM_017636.4 (MANE Select); coding-DNA position 1918, C replaced by T.
Protein change: p.Arg640Cys; replaces arginine 640 with cysteine.
Molecular consequence: missense variant.
Genome position (GRCh38, 1-based): chr19:49,188,990, C>T. VCF-style: chr19-49188990-C-T. GRCh37 (hg19) VCF-style: chr19-49692247-C-T.
Other names: c.1918C>T, p.Arg640Cys (NM_001195227.2); c.1573C>T, p.Arg525Cys (NM_001321281.2); c.310C>T, p.Arg104Cys (NM_001321282.2); c.1396C>T, p.Arg466Cys (NM_001321283.2); c.856C>T, p.Arg286Cys (NM_001321285.2); short protein forms R104C, R286C, R525C, R640C, R466C.
Identifiers: ClinVar variation 1782607 (VCV001782607.7), dbSNP rs767457903, ClinGen allele CA309447033.